The following is an entry in ClinVar:

NM_006662.3(SRCAP):c.8463C>T (p.Pro2821=)

Gene: SRCAP (Snf2 related CREBBP activator protein; plus strand). Cytogenetic location: 16p11.2.
Variant type: single nucleotide variant.
Coding change: c.8463C>T on transcript NM_006662.3 (MANE Select); coding-DNA position 8463, C replaced by T.
Protein change: p.Pro2821=; no amino-acid change (proline 2821 retained).
Molecular consequence: synonymous variant.
Genome position (GRCh38, 1-based): chr16:30,738,503, C>T. VCF-style: chr16-30738503-C-T. GRCh37 (hg19) VCF-style: chr16-30749824-C-T.
Identifiers: ClinVar variation 2646410 (VCV002646410.27), dbSNP rs377100819, ClinGen allele CA8012700.

ClinVar aggregate classification (germline): Benign/Likely benign. Review status: criteria provided, multiple submitters, no conflicts (2 of 4 stars). 2 submissions from 2 submitters: Benign (1); Likely benign (1). Last evaluated 2025-04-09.

Allele frequency attached by ClinVar (database versions not stated): TOPMed 0.00002 and 0.00005; gnomAD 0.00007; ESP Exome Variant Server 0.00008; 1000 Genomes Project 30x 0.00016; gnomAD exomes 0.00016 and 0.00030; 1000 Genomes Project 0.00020; ExAC 0.00034.
gnomAD v4.1: 239 of 1,609,450 alleles (0.015%); highest among the groups gnomAD compares: South Asian, 0.22%; 4 homozygotes.

Submissions (2):

Labcorp Genetics (formerly Invitae), Labcorp
Classification: Benign. Last evaluated: 2025-04-09. Review status: criteria provided, single submitter. Criteria: Invitae Variant Classification Sherloc (09022015). Collection method: clinical testing. Allele origin: germline.

CeGaT Center for Human Genetics Tuebingen
Classification: Likely benign. Last evaluated: 2023-05-01. Review status: criteria provided, single submitter. Criteria: CeGaT Center For Human Genetics Tuebingen Variant Classification Criteria Version 2. Collection method: clinical testing. Allele origin: germline. Affected: yes. Observed: 1 variant allele.
Comment: SRCAP: BP4, BP7